The following is an entry in ClinVar:

NM_004369.4(COL6A3):c.6734A>G (p.Gln2245Arg)

Gene: COL6A3 (collagen type VI alpha 3 chain; minus strand). Cytogenetic location: 2q37.3.
Variant type: single nucleotide variant.
Coding change: c.6734A>G on transcript NM_004369.4 (MANE Select); coding-DNA position 6734, A replaced by G.
Protein change: p.Gln2245Arg; replaces glutamine 2245 with arginine.
Molecular consequence: missense variant.
Genome position (GRCh38, 1-based): chr2:237,352,541, T>C on the plus strand (A>G on the coding strand, the complement: COL6A3 is on the minus strand). VCF-style: chr2-237352541-T-C. GRCh37 (hg19) VCF-style: chr2-238261184-T-C.
Other names: c.4913A>G, p.Gln1638Arg (NM_057166.5); c.6116A>G, p.Gln2039Arg (NM_057167.4); short protein forms Q2039R, Q2245R, Q1638R.
Identifiers: ClinVar variation 4744981 (VCV004744981.1).

ClinVar aggregate classification (germline): Uncertain significance (1 of 4 stars; one submission).

Conditions:
Bethlem myopathy 1A. Also called: MYOPATHY, BENIGN CONGENITAL, WITH CONTRACTURES; Bethlem myopathy 1; Bethlem Muscular Dystrophy. Identifiers: Orphanet 610, MedGen CN029274, MONDO:0024530, OMIM 158810.

Submission:

Labcorp Genetics (formerly Invitae), Labcorp
Classification: Uncertain significance for Bethlem myopathy 1A. Last evaluated: 2025-02-20. Review status: criteria provided, single submitter. Criteria: Invitae Variant Classification Sherloc (09022015). Collection method: clinical testing. Allele origin: germline.
Comment: This sequence change replaces glutamine, which is neutral and polar, with arginine, which is basic and polar, at codon 2245 of the COL6A3 protein (p.Gln2245Arg). This variant is not present in population databases (gnomAD no frequency). This variant has not been reported in the literature in individuals affected with COL6A3-related conditions. Invitae Evidence Modeling of protein sequence and biophysical properties (such as structural, functional, and spatial information, amino acid conservation, physicochemical variation, residue mobility, and thermodynamic stability) indicates that this missense variant is expected to disrupt COL6A3 protein function with a positive predictive value of 80%. In summary, the available evidence is currently insufficient to determine the role of this variant in disease. Therefore, it has been classified as a Variant of Uncertain Significance.